The following is an entry in ClinVar:

NM_033109.5(PNPT1):c.1293T>G (p.Pro431=)

Gene: PNPT1 (polyribonucleotide nucleotidyltransferase 1; minus strand). Cytogenetic location: 2p16.1.
Variant type: single nucleotide variant.
Coding change: c.1293T>G on transcript NM_033109.5 (MANE Select); coding-DNA position 1293, T replaced by G.
Protein change: p.Pro431=; no amino-acid change (proline 431 retained).
Molecular consequence: synonymous variant.
Genome position (GRCh38, 1-based): chr2:55,656,363, A>C on the plus strand (T>G on the coding strand, the complement: PNPT1 is on the minus strand). VCF-style: chr2-55656363-A-C. GRCh37 (hg19) VCF-style: chr2-55883498-A-C.
Identifiers: ClinVar variation 3067763 (VCV003067763.21), dbSNP rs1696386508, ClinGen allele CA426173296.

ClinVar aggregate classification (germline): Likely benign (1 of 4 stars; one submission).

Allele frequency attached by ClinVar (database versions not stated): TOPMed below 0.00001.

Submission:

CeGaT Center for Human Genetics Tuebingen
Classification: Likely benign. Last evaluated: 2024-03-01. Review status: criteria provided, single submitter. Criteria: CeGaT Center For Human Genetics Tuebingen Variant Classification Criteria Version 2. Collection method: clinical testing. Allele origin: germline. Affected: yes. Observed: 1 variant allele.
Comment: PNPT1: PM2:Supporting, BP4, BP7